The following is an entry in ClinVar:

ClinVar aggregate classification (germline): Uncertain significance (1 of 4 stars; one submission).

Submission:

Labcorp Genetics (formerly Invitae), Labcorp
Classification: Uncertain significance. Last evaluated: 2025-10-13. Review status: criteria provided, single submitter. Criteria: Invitae Variant Classification Sherloc (09022015). Collection method: clinical testing. Allele origin: germline.
Comment: This sequence change replaces alanine, which is neutral and non-polar, with threonine, which is neutral and polar, at codon 383 of the KMT2A protein (p.Ala383Thr). This variant is not present in population databases (gnomAD no frequency). This variant has not been reported in the literature in individuals affected with KMT2A-related conditions. ClinVar contains an entry for this variant (Variation ID: 2755588). Invitae Evidence Modeling of protein sequence and biophysical properties (such as structural, functional, and spatial information, amino acid conservation, physicochemical variation, residue mobility, and thermodynamic stability) has been performed for this missense variant. However, the output from this modeling did not meet the statistical confidence thresholds required to predict the impact of this variant on KMT2A protein function. In summary, the available evidence is currently insufficient to determine the role of this variant in disease. Therefore, it has been classified as a Variant of Uncertain Significance.

NM_001197104.2(KMT2A):c.1147G>A (p.Ala383Thr)

Gene: KMT2A (lysine methyltransferase 2A; plus strand). Cytogenetic location: 11q23.3.
Variant type: single nucleotide variant.
Coding change: c.1147G>A on transcript NM_001197104.2 (MANE Select); coding-DNA position 1147, G replaced by A.
Protein change: p.Ala383Thr; replaces alanine 383 with threonine.
Molecular consequence: missense variant.
Genome position (GRCh38, 1-based): chr11:118,472,306, G>A. VCF-style: chr11-118472306-G-A. GRCh37 (hg19) VCF-style: chr11-118343021-G-A.
Other names: c.1246G>A, p.Ala416Thr (NM_001412597.1); c.1147G>A, p.Ala383Thr (NM_005933.4); short protein forms A383T, A416T.
Identifiers: ClinVar variation 2755588 (VCV002755588.3), dbSNP rs2134260342, ClinGen allele CA382809370.
Genomic context (GRCh38, chr11:118,472,306, plus strand): 5'-TCTTCAAAAAGGACAGATGCAACCATTGCTAAGCAACTCTTACAGAGGGCAAAAAAGGGG[G>A]CTCAAAAGAAAATTGAAAAAGAAGCAGCTCAGCTGCAGGGAAGAAAGGTGAAGACACAGG-3'
Protein context (NP_001184033.1, residues 373-393): KQLLQRAKKG[Ala383Thr]QKKIEKEAAQ